The following is an entry in ClinVar:

ClinVar aggregate classification (germline): Uncertain significance (1 of 4 stars; one submission).

Conditions:
Inborn genetic diseases. Identifiers: MedGen C0950123, MeSH D030342.

gnomAD v4.1: 3 of 1,614,050 alleles (0.00019%); highest among the groups gnomAD compares: Admixed American, 0.0017%; no homozygotes.

Submission:

Ambry Genetics
Classification: Uncertain significance for Inborn genetic diseases. Last evaluated: 2025-12-24. Review status: criteria provided, single submitter. Criteria: Ambry Variant Classification Scheme 2023. Collection method: clinical testing. Allele origin: germline.
Comment: The c.461C>T (p.A154V) alteration is located in exon 3 (coding exon 3) of the COLGALT1 gene. This alteration results from a C to T substitution at nucleotide position 461, causing the alanine (A) at amino acid position 154 to be replaced by a valine (V). Based on data from gnomAD, the T allele has an overall frequency of <0.001% (1/251406) total alleles studied. The highest observed frequency was 0.003% (1/30616) of South Asian alleles. Based on insufficient or conflicting evidence, the clinical significance of this alteration remains unclear.

NM_024656.4(COLGALT1):c.461C>T (p.Ala154Val)

Gene: COLGALT1 (collagen beta(1-O)galactosyltransferase 1; plus strand). Cytogenetic location: 19p13.11.
Variant type: single nucleotide variant.
Coding change: c.461C>T on transcript NM_024656.4 (MANE Select); coding-DNA position 461, C replaced by T.
Protein change: p.Ala154Val; replaces alanine 154 with valine.
Molecular consequence: missense variant.
Genome position (GRCh38, 1-based): chr19:17,560,437, C>T. VCF-style: chr19-17560437-C-T. GRCh37 (hg19) VCF-style: chr19-17671246-C-T.
Other names: short protein forms A154V.
Identifiers: ClinVar variation 4838491 (VCV004838491.1).